The following is an entry in ClinVar:

ClinVar aggregate classification (germline): Uncertain significance (1 of 4 stars; one submission).

Allele frequency attached by ClinVar (database versions not stated): gnomAD exomes 0.00001; ExAC 0.00002; gnomAD 0.00011; 1000 Genomes Project 30x 0.00016; 1000 Genomes Project 0.00020; TOPMed 0.00026.
gnomAD v4.1: 35 of 1,614,038 alleles (0.0022%); highest among the groups gnomAD compares: Admixed American, 0.048%; no homozygotes.

Submission:

Labcorp Genetics (formerly Invitae), Labcorp
Classification: Uncertain significance. Last evaluated: 2025-12-10. Review status: criteria provided, single submitter. Criteria: Invitae Variant Classification Sherloc (09022015). Collection method: clinical testing. Allele origin: germline.
Comment: This sequence change falls in intron 4 of the TNS2 gene. It does not directly change the encoded amino acid sequence of the TNS2 protein. It affects a nucleotide within the consensus splice site. This variant is present in population databases (rs547347317, gnomAD 0.01%). This variant has not been reported in the literature in individuals affected with TNS2-related conditions. ClinVar contains an entry for this variant (Variation ID: 2081154). Variants that disrupt the consensus splice site are a relatively common cause of aberrant splicing (PMID: 17576681, 9536098). Algorithms developed to predict the effect of sequence changes on RNA splicing suggest that this variant is not likely to affect RNA splicing. In summary, the available evidence is currently insufficient to determine the role of this variant in disease. Therefore, it has been classified as a Variant of Uncertain Significance.

Literature cited by the submitters: PubMed 17576681; PubMed 9536098.

NM_170754.4(TNS2):c.261+3G>A

Genes: TNS2 (tensin 2; plus strand), TNS2-AS1 (TNS2 antisense RNA 1; minus strand). Cytogenetic location: 12q13.13.
Variant type: single nucleotide variant.
Coding change: c.261+3G>A on transcript NM_170754.4 (MANE Select); 3 bases into the intron after coding-DNA position 261, G replaced by A.
Molecular consequence: intron variant. On other transcripts: non-coding transcript variant (1).
Genome position (GRCh38, 1-based): chr12:53,053,452, G>A. VCF-style: chr12-53053452-G-A. GRCh37 (hg19) VCF-style: chr12-53447236-G-A.
Other names: c.-112+3G>A (NM_198316.2); c.261+3G>A (NM_001416202.1, NM_001416204.1); c.192+3G>A (NM_001416203.1, NM_015319.3).
Identifiers: ClinVar variation 2081154 (VCV002081154.4), dbSNP rs547347317, ClinGen allele CA6591851.